The following is an entry in ClinVar:

NM_005245.4(FAT1):c.11796T>C (p.Thr3932=)

Gene: FAT1 (FAT atypical cadherin 1; minus strand). Cytogenetic location: 4q35.2.
Variant type: single nucleotide variant.
Coding change: c.11796T>C on transcript NM_005245.4 (MANE Select); coding-DNA position 11796, T replaced by C.
Protein change: p.Thr3932=; no amino-acid change (threonine 3932 retained).
Molecular consequence: synonymous variant.
Genome position (GRCh38, 1-based): chr4:186,600,205, A>G on the plus strand (T>C on the coding strand, the complement: FAT1 is on the minus strand). VCF-style: chr4-186600205-A-G. GRCh37 (hg19) VCF-style: chr4-187521359-A-G.
Identifiers: ClinVar variation 2655218 (VCV002655218.24), dbSNP rs1191686802, ClinGen allele CA442887282.

ClinVar aggregate classification (germline): Likely benign (1 of 4 stars; one submission).

Submission:

CeGaT Center for Human Genetics Tuebingen
Classification: Likely benign. Last evaluated: 2022-07-01. Review status: criteria provided, single submitter. Criteria: CeGaT Center For Human Genetics Tuebingen Variant Classification Criteria Version 2. Collection method: clinical testing. Allele origin: germline. Affected: yes. Observed: 1 variant allele.
Comment: FAT1: PM2:Supporting, BP4, BP7